The following is an entry in ClinVar:

ClinVar aggregate classification (germline): Uncertain significance (1 of 4 stars; one submission).

Conditions:
Citrullinemia. Identifiers: Orphanet 187, MedGen C0175683, MONDO:0015991.

Submission:

Labcorp Genetics (formerly Invitae), Labcorp
Classification: Uncertain significance for Citrullinemia. Last evaluated: 2022-05-25. Review status: criteria provided, single submitter. Criteria: Invitae Variant Classification Sherloc (09022015). Collection method: clinical testing. Allele origin: germline.
Comment: In summary, the available evidence is currently insufficient to determine the role of this variant in disease. Therefore, it has been classified as a Variant of Uncertain Significance. Algorithms developed to predict the effect of missense changes on protein structure and function are either unavailable or do not agree on the potential impact of this missense change (SIFT: "Tolerated"; PolyPhen-2: "Possibly Damaging"; Align-GVGD: "Class C0"). This variant has not been reported in the literature in individuals affected with ASS1-related conditions. This variant is not present in population databases (gnomAD no frequency). This sequence change replaces alanine, which is neutral and non-polar, with serine, which is neutral and polar, at codon 388 of the ASS1 protein (p.Ala388Ser).

NM_054012.4(ASS1):c.1162G>T (p.Ala388Ser)

Gene: ASS1 (argininosuccinate synthase 1; plus strand). Cytogenetic location: 9q34.11.
Variant type: single nucleotide variant.
Coding change: c.1162G>T on transcript NM_054012.4 (MANE Select); coding-DNA position 1162, G replaced by T.
Protein change: p.Ala388Ser; replaces alanine 388 with serine.
Molecular consequence: missense variant.
Genome position (GRCh38, 1-based): chr9:130,499,539, G>T. VCF-style: chr9-130499539-G-T. GRCh37 (hg19) VCF-style: chr9-133374926-G-T.
Other names: c.1162G>T, p.Ala388Ser (NM_000050.4); short protein forms A388S.
Identifiers: ClinVar variation 2111121 (VCV002111121.4), dbSNP rs2490631375, ClinGen allele CA375232690.